The following is an entry in ClinVar:

NM_014171.6(CRIPT):c.133G>A (p.Ala45Thr)

Gene: CRIPT (CXXC repeat containing interactor of PDZ3 domain; plus strand). Cytogenetic location: 2p21.
Variant type: single nucleotide variant.
Coding change: c.133G>A on transcript NM_014171.6 (MANE Select); coding-DNA position 133, G replaced by A.
Protein change: p.Ala45Thr; replaces alanine 45 with threonine.
Molecular consequence: missense variant.
Genome position (GRCh38, 1-based): chr2:46,619,677, G>A. VCF-style: chr2-46619677-G-A. GRCh37 (hg19) VCF-style: chr2-46846816-G-A.
Other names: short protein forms A45T.
Identifiers: ClinVar variation 2072323 (VCV002072323.3), dbSNP rs759346570, ClinGen allele CA346701094.
Genomic context (GRCh38, chr2:46,619,677, plus strand): 5'-TCTGATACAGAAAGTGGTGGAAGAAAGCTGAATGAAAATAAAGCTTTGACTTCAAAAAAA[G>A]CAAGGTGGGTAAGAGGATCCATCGATGGGTCACATAAATTTCCTTCTTTTAGTATTAAGT-3'
Protein context (NP_054890.1, residues 35-55): NENKALTSKK[Ala45Thr]RFDPYGKNKF

ClinVar aggregate classification (germline): Uncertain significance (1 of 4 stars; one submission).

Allele frequency attached by ClinVar (database versions not stated): gnomAD 0.00001.
gnomAD v4.1: 4 of 1,610,700 alleles (0.00025%); highest among the groups gnomAD compares: Admixed American, 0.0017%; no homozygotes.

Submission:

Labcorp Genetics (formerly Invitae), Labcorp
Classification: Uncertain significance. Last evaluated: 2024-04-10. Review status: criteria provided, single submitter. Criteria: Invitae Variant Classification Sherloc (09022015). Collection method: clinical testing. Allele origin: germline.
Comment: This sequence change replaces alanine, which is neutral and non-polar, with threonine, which is neutral and polar, at codon 45 of the CRIPT protein (p.Ala45Thr). This variant is not present in population databases (gnomAD no frequency). This variant has not been reported in the literature in individuals affected with CRIPT-related conditions. ClinVar contains an entry for this variant (Variation ID: 2072323). An algorithm developed to predict the effect of missense changes on protein structure and function (PolyPhen-2) suggests that this variant is likely to be tolerated. In summary, the available evidence is currently insufficient to determine the role of this variant in disease. Therefore, it has been classified as a Variant of Uncertain Significance.